The following is an entry in ClinVar:

NM_006648.4(WNK2):c.4906A>G (p.Met1636Val)

Gene: WNK2 (WNK lysine deficient protein kinase 2; plus strand). Cytogenetic location: 9q22.31.
Variant type: single nucleotide variant.
Coding change: c.4906A>G on transcript NM_006648.4 (MANE Select); coding-DNA position 4906, A replaced by G.
Protein change: p.Met1636Val; replaces methionine 1636 with valine.
Molecular consequence: missense variant.
Genome position (GRCh38, 1-based): chr9:93,290,017, A>G. VCF-style: chr9-93290017-A-G. GRCh37 (hg19) VCF-style: chr9-96052299-A-G.
Other names: c.5017A>G, p.Met1673Val (NM_001282394.3); short protein forms M1636V, M1673V.
Identifiers: ClinVar variation 3816679 (VCV003816679.1).
Genomic context (GRCh38, chr9:93,290,017, plus strand): 5'-TTTTTGTGTTTCTTTCTCCAGGTGGAGAAGTCAGAACTGGCCCCCACTCGAGGGGCCGTG[A>G]TGGAGCAGGGCACGTCCTCGTCAATGACAGGTAACAGCTTCCTGCTGAACCCTGCGTTCA-3'
Protein context (NP_006639.3, residues 1626-1646): SELAPTRGAV[Met1636Val]EQGTSSSMTA

ClinVar aggregate classification (germline): Uncertain significance (1 of 4 stars; one submission).

Submission:

Ambry Genetics
Classification: Uncertain significance. Last evaluated: 2024-12-30. Review status: criteria provided, single submitter. Criteria: Ambry Variant Classification Scheme 2023. Collection method: clinical testing. Allele origin: germline.
Comment: The p.M1636V variant (also known as c.4906A>G), located in coding exon 20 of the WNK2 gene, results from an A to G substitution at nucleotide position 4906. The methionine at codon 1636 is replaced by valine, an amino acid with highly similar properties. This amino acid position is conserved. In addition, this alteration is predicted to be tolerated by in silico analysis. Based on the available evidence, the clinical significance of this variant remains unclear.